The following is an entry in ClinVar:

NM_016341.4(PLCE1):c.2912G>C (p.Gly971Ala)

Gene: PLCE1 (phospholipase C epsilon 1; plus strand). Cytogenetic location: 10q23.33.
Variant type: single nucleotide variant.
Coding change: c.2912G>C on transcript NM_016341.4 (MANE Select); coding-DNA position 2912, G replaced by C.
Protein change: p.Gly971Ala; replaces glycine 971 with alanine.
Molecular consequence: missense variant.
Genome position (GRCh38, 1-based): chr10:94,246,437, G>C. VCF-style: chr10-94246437-G-C. GRCh37 (hg19) VCF-style: chr10-96006194-G-C.
Other names: c.2912G>C (NM_016341.3); c.1988G>C, p.Gly663Ala (NM_001165979.2); c.2912G>C, p.Gly971Ala (NM_001288989.2); short protein forms G663A, G971A.
Identifiers: ClinVar variation 3622383 (VCV003622383.3).

ClinVar aggregate classification (germline): Uncertain significance. Review status: criteria provided, multiple submitters, no conflicts (2 of 4 stars). 2 submissions from 2 submitters: Uncertain significance (2). Last evaluated 2025-07-15.

Conditions:
Inborn genetic diseases. Identifiers: MedGen C0950123, MeSH D030342.

gnomAD v4.1: 3 of 1,614,224 alleles (0.00019%); highest among the groups gnomAD compares: African/African-American, 0.0027%; no homozygotes.

Submissions (2):

Ambry Genetics
Classification: Uncertain significance for Inborn genetic diseases. Last evaluated: 2025-07-15. Review status: criteria provided, single submitter. Criteria: Ambry Variant Classification Scheme 2023. Collection method: clinical testing. Allele origin: germline.

Labcorp Genetics (formerly Invitae), Labcorp
Classification: Uncertain significance. Last evaluated: 2024-02-09. Review status: criteria provided, single submitter. Criteria: Invitae Variant Classification Sherloc (09022015). Collection method: clinical testing. Allele origin: germline.
Comment: This sequence change replaces glycine, which is neutral and non-polar, with alanine, which is neutral and non-polar, at codon 971 of the PLCE1 protein (p.Gly971Ala). This variant is present in population databases (no rsID available, gnomAD 0.0009%). This variant has not been reported in the literature in individuals affected with PLCE1-related conditions. Advanced modeling of protein sequence and biophysical properties (such as structural, functional, and spatial information, amino acid conservation, physicochemical variation, residue mobility, and thermodynamic stability) performed at Invitae indicates that this missense variant is not expected to disrupt PLCE1 protein function with a negative predictive value of 80%. In summary, the available evidence is currently insufficient to determine the role of this variant in disease. Therefore, it has been classified as a Variant of Uncertain Significance.